The following is an entry in ClinVar:

ClinVar aggregate classification (germline): Uncertain significance (1 of 4 stars; one submission).

Conditions:
Inborn genetic diseases. Identifiers: MedGen C0950123, MeSH D030342.

Submission:

Ambry Genetics
Classification: Uncertain significance for Inborn genetic diseases. Last evaluated: 2024-11-23. Review status: criteria provided, single submitter. Criteria: Ambry Variant Classification Scheme 2023. Collection method: clinical testing. Allele origin: germline.
Comment: The p.F172V variant (also known as c.514T>G), located in coding exon 4 of the MECOM gene, results from a T to G substitution at nucleotide position 514. The phenylalanine at codon 172 is replaced by valine, an amino acid with highly similar properties. This amino acid position is conserved. In addition, the in silico prediction for this alteration is inconclusive. Based on the available evidence, the clinical significance of this variant remains unclear.

NM_004991.4(MECOM):c.514T>G (p.Phe172Val)

Gene: MECOM (MDS1 and EVI1 complex locus; minus strand). Cytogenetic location: 3q26.2.
Variant type: single nucleotide variant.
Coding change: c.514T>G on transcript NM_004991.4 (MANE Select); coding-DNA position 514, T replaced by G.
Protein change: p.Phe172Val; replaces phenylalanine 172 with valine.
Molecular consequence: missense variant. On other transcripts: 5 prime UTR variant (12).
Genome position (GRCh38, 1-based): chr3:169,131,528, A>C on the plus strand (T>G on the coding strand, the complement: MECOM is on the minus strand). VCF-style: chr3-169131528-A-C. GRCh37 (hg19) VCF-style: chr3-168849316-A-C.
Other names: c.142T>G, p.Phe48Val (NM_001105077.4); c.-51T>G (NM_001105078.4, NM_001163999.2, NM_001164000.2 and 9 more transcripts); c.514T>G, p.Phe172Val (NM_001366466.2, NM_001366473.2); short protein forms F172V, F48V.
Identifiers: ClinVar variation 3394283 (VCV003394283.1).